The following is an entry in ClinVar:

NM_013352.4(DSE):c.2766T>C (p.Tyr922=)

Gene: DSE (dermatan sulfate epimerase; plus strand). Cytogenetic location: 6q22.1.
Variant type: single nucleotide variant.
Coding change: c.2766T>C on transcript NM_013352.4 (MANE Select); coding-DNA position 2766, T replaced by C.
Protein change: p.Tyr922=; no amino-acid change (tyrosine 922 retained).
Molecular consequence: synonymous variant. On other transcripts: 3 prime UTR variant (2), non-coding transcript variant (1).
Genome position (GRCh38, 1-based): chr6:116,437,234, T>C. VCF-style: chr6-116437234-T-C. GRCh37 (hg19) VCF-style: chr6-116758397-T-C.
Other names: p.Tyr922=; c.2766T>C, p.Tyr922= (NM_001080976.3, NM_001322937.2, NM_001322938.2); c.2823T>C, p.Tyr941= (NM_001322939.2); c.2205T>C, p.Tyr735= (NM_001322940.2, NM_001322941.2); c.*1631T>C (NM_001322943.2, NM_001322944.2); c.1767T>C, p.Tyr589= (NM_001374520.1); c.1731T>C, p.Tyr577= (NM_001374521.1).
Identifiers: ClinVar variation 1629755 (VCV001629755.10), dbSNP rs148311424, ClinGen allele CA3969869.

ClinVar aggregate classification (germline): Likely benign. Review status: criteria provided, multiple submitters, no conflicts (2 of 4 stars). 3 submissions from 3 submitters: Likely benign (3). Last evaluated 2025-10-01.

Conditions:
Ehlers-Danlos syndrome, musculocontractural type 2 (EDSMC2). Identifiers: Orphanet 2953, MedGen C3809845, MONDO:0014236, OMIM 615539.

Allele frequency attached by ClinVar (database versions not stated): gnomAD exomes 0.00001 and 0.00002; ExAC 0.00002; TOPMed 0.00003; ESP Exome Variant Server 0.00008.
gnomAD v4.1: 33 of 1,614,138 alleles (0.002%); highest among the groups gnomAD compares: Non-Finnish European, 0.0025%; no homozygotes.

Submissions (3):

Labcorp Genetics (formerly Invitae), Labcorp
Classification: Likely benign for Ehlers-Danlos syndrome, musculocontractural type 2. Last evaluated: 2025-10-01. Review status: criteria provided, single submitter. Criteria: Invitae Variant Classification Sherloc (09022015). Collection method: clinical testing. Allele origin: germline.

Mayo Clinic Laboratories, Mayo Clinic
Classification: Likely benign. Last evaluated: 2025-06-26. Review status: criteria provided, single submitter. Criteria: ACMG Guidelines, 2015. Collection method: clinical testing. Allele origin: germline. Observed: 1 variant allele.
Comment: BP4, BP7, PM2_supporting

Women's Health and Genetics/Laboratory Corporation of America, LabCorp
Classification: Likely benign. Last evaluated: 2025-05-23. Review status: criteria provided, single submitter. Criteria: LabCorp Variant Classification Summary - May 2015. Collection method: clinical testing. Allele origin: germline.